The following is an entry in ClinVar:

ClinVar aggregate classification (germline): Uncertain significance (1 of 4 stars; one submission).

Conditions:
Inborn genetic diseases. Identifiers: MedGen C0950123, MeSH D030342.

Allele frequency attached by ClinVar (database versions not stated): gnomAD exomes below 0.00001.
gnomAD v4.1: 2 of 1,614,186 alleles (0.00012%); highest among the groups gnomAD compares: Non-Finnish European, 0.00017%; no homozygotes.

Submission:

Ambry Genetics
Classification: Uncertain significance for Inborn genetic diseases. Last evaluated: 2017-05-30. Review status: criteria provided, single submitter. Criteria: Ambry Variant Classification Scheme 2023. Collection method: clinical testing. Allele origin: germline.
Comment: The p.Q1186H variant (also known as c.3558G>C), located in coding exon 22 of the CNTNAP2 gene, results from a G to C substitution at nucleotide position 3558. The glutamine at codon 1186 is replaced by histidine, an amino acid with highly similar properties. This amino acid position is poorly conserved in available vertebrate species, and histidine is the reference amino acid in other vertebrate species. In addition, this alteration is predicted to be tolerated by in silico analysis. Since supporting evidence is limited at this time, the clinical significance of this alteration remains unclear.

NM_014141.6(CNTNAP2):c.3558G>C (p.Gln1186His)

Gene: CNTNAP2 (contactin associated protein 2; plus strand). Cytogenetic location: 7q36.1.
Variant type: single nucleotide variant.
Coding change: c.3558G>C on transcript NM_014141.6 (MANE Select); coding-DNA position 3558, G replaced by C.
Protein change: p.Gln1186His; replaces glutamine 1186 with histidine.
Molecular consequence: missense variant.
Genome position (GRCh38, 1-based): chr7:148,383,731, G>C. VCF-style: chr7-148383731-G-C. GRCh37 (hg19) VCF-style: chr7-148080823-G-C.
Other names: short protein forms Q1186H.
Identifiers: ClinVar variation 590176 (VCV000590176.5), dbSNP rs1563066657, ClinGen allele CA369704495.
Genomic context (GRCh38, chr7:148,383,731, plus strand): 5'-GATTCACAAATACAACACCCCAGGATTCACTGGTTGCCTCTCCAGAGTCCAGTTCAACCA[G>C]ATCGCCCCTCTCAAGGCCGCCTTGAGGCAGACAAACGCCTCGGCTCACGTCCACATCCAG-3'
Protein context (NP_054860.1, residues 1176-1196): TGCLSRVQFN[Gln1186His]IAPLKAALRQ